The following is an entry in ClinVar:

ClinVar aggregate classification (germline): Pathogenic/Likely pathogenic. Review status: criteria provided, multiple submitters, no conflicts (2 of 4 stars). 2 submissions from 2 submitters: Pathogenic (1); Likely pathogenic (1). Last evaluated 2021-02-05.

Conditions:
Inborn genetic diseases. Identifiers: MedGen C0950123, MeSH D030342.
Osteogenesis imperfecta type I (OI1). Also called: OI, TYPE I; OSTEOGENESIS IMPERFECTA TARDA; OSTEOGENESIS IMPERFECTA WITH BLUE SCLERAE; Lobstein's Disease; Classic Non-deforming Osteogenesis Imperfecta with Blue Sclerae; Lobstein disease. Identifiers: Orphanet 216796, Orphanet 666, MedGen C0023931, MONDO:0008146, OMIM 166200. Disease mechanism: loss of function.
Ehlers-Danlos syndrome, classic type, 1 (EDSCL1). Also called: Ehlers-Danlos Syndrome, Classic Type, COL5A1-Related; EDS I; Ehlers-Danlos syndrome, type 1; EHLERS-DANLOS SYNDROME, GRAVIS TYPE; EHLERS-DANLOS SYNDROME, SEVERE CLASSIC TYPE. Identifiers: MedGen C0268335, MONDO:0019567, OMIM 130000.

Submissions (2):

Labcorp Genetics (formerly Invitae), Labcorp
Classification: Likely pathogenic for Osteogenesis imperfecta type I; Ehlers-Danlos syndrome, classic type, 1. Last evaluated: 2021-02-05. Review status: criteria provided, single submitter. Criteria: Invitae Variant Classification Sherloc (09022015). Collection method: clinical testing. Allele origin: germline.
Comment: In summary, the currently available evidence indicates that the variant is pathogenic, but additional data are needed to prove that conclusively. Therefore, this variant has been classified as Likely Pathogenic. This variant has been observed in individual(s) with clinical features of autosomal dominant COL1A2-related conditions (Invitae). In at least one individual the variant was observed to be de novo. ClinVar contains an entry for this variant (Variation ID: 521055). This variant is not present in population databases (ExAC no frequency). This variant, c.2965_2973dup, results in the insertion of 3 amino acid(s) to the COL1A2 protein (p.Pro989_Gly991dup), but otherwise preserves the integrity of the reading frame.

Ambry Genetics
Classification: Pathogenic for Inborn genetic diseases. Last evaluated: 2016-04-28. Review status: criteria provided, single submitter. Criteria: Ambry exome assertion method (8-5-2015). Collection method: clinical testing. Allele origin: germline. Affected: yes. Observed: 1 variant allele.

NM_000089.4(COL1A2):c.2965_2973dup (p.Pro989_Gly991dup)

Gene: COL1A2 (collagen type I alpha 2 chain; plus strand). Cytogenetic location: 7q21.3.
Variant type: Duplication.
Coding change: c.2965_2973dup on transcript NM_000089.4 (MANE Select); coding-DNA positions 2965 to 2973, 9 bases duplicated (CCTGCTGGT; older notation c.2965_2973dupCCTGCTGGT).
Protein change: p.Pro989_Gly991dup.
Molecular consequence: inframe insertion.
Genome position (GRCh38, 1-based): chr7:94,426,019-94,426,027, CCTGCTGGT duplicated; duplicating any 9 consecutive bases within chr7:94,426,015-94,426,027 gives the same sequence; the c. name uses the placement nearest the transcript's 3' end. VCF-style (leftmost placement, unchanged base first): chr7-94426014-T-TTGGTCCTGC. GRCh37 (hg19) VCF-style: chr7-94055326-T-TTGGTCCTGC.
Other names: c.2965_2973dupCCTGCTGGT (NM_000089.3).
Identifiers: ClinVar variation 521055 (VCV000521055.12), dbSNP rs1554398396, ClinGen allele CA658796974.
Genomic context (GRCh38, chr7:94,426,014, plus strand): 5'-ATCTTGGGCCTAGCTAAGTTGTGTTTTTCTTTTTCATTTCACAGGGTCCTTCTGGTCCTG[T>TTGGTCCTGC]TGGTCCTGCTGGTGCTGTTGGCCCAAGAGGTCCTAGTGTATGTACATGCTGAAGATTTCT-3'